The following is an entry in ClinVar:

NM_007186.6(CEP250):c.1331G>A (p.Arg444Gln)

Genes: CEP250 (centrosomal protein 250; plus strand), CEP250-AS1 (CEP250 antisense RNA 1; minus strand). Cytogenetic location: 20q11.22.
Variant type: single nucleotide variant.
Coding change: c.1331G>A on transcript NM_007186.6 (MANE Select); coding-DNA position 1331, G replaced by A.
Protein change: p.Arg444Gln; replaces arginine 444 with glutamine.
Molecular consequence: missense variant. On other transcripts: 5 prime UTR variant (1).
Genome position (GRCh38, 1-based): chr20:35,473,495, G>A. VCF-style: chr20-35473495-G-A. GRCh37 (hg19) VCF-style: chr20-34061320-G-A.
Other names: c.1331G>A (NM_007186.5, NM_007186.3); c.-569G>A (NM_001318219.1); short protein forms R444Q.
Identifiers: ClinVar variation 1420519 (VCV001420519.6), dbSNP rs374940278, ClinGen allele CA9832887.

ClinVar aggregate classification (germline): Uncertain significance. Review status: criteria provided, multiple submitters, no conflicts (2 of 4 stars). 4 submissions from 4 submitters: Uncertain significance (3). 1 of the submissions does not count toward it. Last evaluated 2025-11-19.

Conditions:
CEP250-related disorder. Also called: CEP250-related condition.

Allele frequency attached by ClinVar (database versions not stated): gnomAD 0.00001; TOPMed 0.00002; gnomAD exomes 0.00003 and 0.00007; ESP Exome Variant Server 0.00008; ExAC 0.00010.
gnomAD v4.1: 48 of 1,614,014 alleles (0.003%); highest among the groups gnomAD compares: South Asian, 0.034%; no homozygotes.

Submissions (4):

Ambry Genetics
Classification: Uncertain significance. Last evaluated: 2025-11-19. Review status: criteria provided, single submitter. Criteria: Ambry Variant Classification Scheme 2023. Collection method: clinical testing. Allele origin: germline.

Blueprint Genetics
Classification: Uncertain significance. Last evaluated: 2024-10-04. Review status: criteria provided, single submitter. Criteria: ACMG Guidelines, 2015. Collection method: clinical testing. Allele origin: germline.

Labcorp Genetics (formerly Invitae), Labcorp
Classification: Uncertain significance. Last evaluated: 2021-09-02. Review status: criteria provided, single submitter. Criteria: Invitae Variant Classification Sherloc (09022015). Collection method: clinical testing. Allele origin: germline.

PreventionGenetics, part of Exact Sciences
Classification: Uncertain significance for CEP250-related condition. Last evaluated: 2024-03-15. Review status: no assertion criteria provided. Collection method: clinical testing. Allele origin: germline. Not counted in ClinVar's aggregate classification.
Comment: The CEP250 c.1331G>A variant is predicted to result in the amino acid substitution p.Arg444Gln. To our knowledge, this variant has not been reported in the literature. This variant is reported in 0.052% of alleles in individuals of South Asian descent in gnomAD. At this time, the clinical significance of this variant is uncertain due to the absence of conclusive functional and genetic evidence.